The following is an entry in ClinVar:

NM_000051.4(ATM):c.5660C>G (p.Ala1887Gly)

Gene: ATM (ATM serine/threonine kinase; plus strand). Cytogenetic location: 11q22.3.
Variant type: single nucleotide variant.
Coding change: c.5660C>G on transcript NM_000051.4 (MANE Select); coding-DNA position 5660, C replaced by G.
Protein change: p.Ala1887Gly; replaces alanine 1887 with glycine.
Molecular consequence: missense variant.
Genome position (GRCh38, 1-based): chr11:108,304,838, C>G. VCF-style: chr11-108304838-C-G. GRCh37 (hg19) VCF-style: chr11-108175565-C-G.
Other names: c.5660C>G, p.Ala1887Gly (NM_001351834.2); short protein forms A1887G.
Identifiers: ClinVar variation 934022 (VCV000934022.9), dbSNP rs1297909613, ClinGen allele CA382546540.

ClinVar aggregate classification (germline): Uncertain significance (1 of 4 stars; one submission).

Conditions:
Ataxia-telangiectasia syndrome (AT). Also called: Ataxia-telangiectasia, complementation group D; Cerebello-oculocutaneous telangiectasia; Immunodeficiency with ataxia telangiectasia; LOUIS-BAR SYNDROME; Ataxia-telangiectasia; AT, COMPLEMENTATION GROUP C. Identifiers: Orphanet 100, MedGen C0004135, MONDO:0008840, OMIM 208900.

Submission:

Labcorp Genetics (formerly Invitae), Labcorp
Classification: Uncertain significance for Ataxia-telangiectasia syndrome. Last evaluated: 2019-09-07. Review status: criteria provided, single submitter. Criteria: Invitae Variant Classification Sherloc (09022015). Collection method: clinical testing. Allele origin: germline.
Comment: This sequence change replaces alanine with glycine at codon 1887 of the ATM protein (p.Ala1887Gly). The alanine residue is moderately conserved and there is a small physicochemical difference between alanine and glycine. This variant is not present in population databases (ExAC no frequency). In summary, the available evidence is currently insufficient to determine the role of this variant in disease. Therefore, it has been classified as a Variant of Uncertain Significance. Algorithms developed to predict the effect of missense changes on protein structure and function (SIFT, PolyPhen-2, Align-GVGD) all suggest that this variant is likely to be tolerated, but these predictions have not been confirmed by published functional studies and their clinical significance is uncertain. This variant has not been reported in the literature in individuals with ATM-related conditions.